The following is an entry in ClinVar:

NM_004333.6(BRAF):c.1383A>G (p.Gln461=)

Gene: BRAF (B-Raf proto-oncogene, serine/threonine kinase; minus strand). Cytogenetic location: 7q34.
Variant type: single nucleotide variant.
Coding change: c.1383A>G on transcript NM_004333.6 (MANE Select); coding-DNA position 1383, A replaced by G.
Protein change: p.Gln461=; no amino-acid change (glutamine 461 retained).
Molecular consequence: synonymous variant.
Genome position (GRCh38, 1-based): chr7:140,781,625, T>C on the plus strand (A>G on the coding strand, the complement: BRAF is on the minus strand). VCF-style: chr7-140781625-T-C. GRCh37 (hg19) VCF-style: chr7-140481425-T-C.
Other names: p.Q461Q; NM_004333.4(BRAF):c.1383A>G; c.1383A>G, p.Gln461= (NM_001354609.2, NM_001378468.1, NM_001378474.1); c.1503A>G, p.Gln501= (NM_001374244.1, NM_001374258.1); c.1392A>G, p.Gln464= (NM_001378467.1); c.1317A>G, p.Gln439= (NM_001378469.1); c.1281A>G, p.Gln427= (NM_001378470.1); c.1272A>G, p.Gln424= (NM_001378471.1); and 2 more.
Identifiers: ClinVar variation 40363 (VCV000040363.63), dbSNP rs56216404, ClinGen allele CA135073.

ClinVar aggregate classification (germline): Benign. Review status: reviewed by expert panel (3 of 4 stars). 15 submissions from 14 submitters: Benign (1). 14 of the submissions do not count toward it. Last evaluated 2017-04-18.

Conditions:
Noonan syndrome and Noonan-related syndrome. Identifiers: Orphanet 98733, MedGen C5681679, MONDO:0020297.
Cardiovascular phenotype. Identifiers: MedGen CN230736.
RASopathy. Also called: rasopathies; Noonan spectrum disorder. Identifiers: Orphanet 536391, MedGen C5555857, MONDO:0021060.
LEOPARD syndrome 3 (LPRD3). Identifiers: Orphanet 500, MedGen C3150971, MONDO:0013380, OMIM 613707.
Noonan syndrome 7 (NS7). Also called: BRAF-Related Noonan Syndrome. Identifiers: Orphanet 648, MedGen C3150970, MONDO:0013379, OMIM 613706.

Allele frequency attached by ClinVar (database versions not stated): ExAC 0.00108; ESP Exome Variant Server 0.00315; gnomAD 0.00373 and 0.00399; TOPMed 0.00397; 1000 Genomes Project 30x 0.00531; 1000 Genomes Project 0.00539; gnomAD exomes 0.00042 and 0.00089.
gnomAD v4.1: 1,206 of 1,614,110 alleles (0.075%); highest among the groups gnomAD compares: African/African-American, 1.3%; 12 homozygotes.

Submissions (15):

ClinGen RASopathy Variant Curation Expert Panel
Classification: Benign for Noonan syndrome and Noonan-related syndrome. Last evaluated: 2017-04-18. Review status: reviewed by expert panel. Criteria: ClinGen RASopathy ACMG Specifications v1. Collection method: curation. Allele origin: germline. Inheritance: Autosomal dominant inheritance.
Comment: The filtering allele frequency of the c.1383A>G (p.Gln461=) variant in the BRAF gene is 0.986% (120/10404) of African chromosomes by the Exome Aggregation Consortium, which is a high enough frequency to be classified as benign based on thresholds defined by the ClinGen RASopathy Expert Panel (BA1; PMID:29493581)

Labcorp Genetics (formerly Invitae), Labcorp
Classification: Benign for RASopathy. Last evaluated: 2026-02-03. Review status: criteria provided, single submitter. Criteria: Invitae Variant Classification Sherloc (09022015). Collection method: clinical testing. Allele origin: germline. Not counted in ClinVar's aggregate classification.

CeGaT Center for Human Genetics Tuebingen
Classification: Likely benign. Last evaluated: 2026-02-01. Review status: criteria provided, single submitter. Criteria: CeGaT Center For Human Genetics Tuebingen Variant Classification Criteria Version 2. Collection method: clinical testing. Allele origin: germline. Affected: yes. Observed: 4 variant alleles. Not counted in ClinVar's aggregate classification.
Comment: BRAF: BP4, BP7, BS1

ARUP Laboratories, Molecular Genetics and Genomics, ARUP Laboratories
Classification: Benign. Last evaluated: 2025-04-08. Review status: criteria provided, single submitter. Criteria: ARUP Molecular Germline Variant Investigation Process 2024. Collection method: clinical testing. Allele origin: germline. Not counted in ClinVar's aggregate classification.

Blueprint Genetics
Classification: Likely benign. Last evaluated: 2024-11-26. Review status: criteria provided, single submitter. Criteria: ACMG Guidelines, 2015. Collection method: clinical testing. Allele origin: germline. Not counted in ClinVar's aggregate classification.

Mayo Clinic Laboratories, Mayo Clinic
Classification: Benign. Last evaluated: 2023-06-29. Review status: criteria provided, single submitter. Criteria: ACMG Guidelines, 2015. Collection method: clinical testing. Allele origin: germline. Observed: 4 variant alleles. Not counted in ClinVar's aggregate classification.

Genome Diagnostics Laboratory, The Hospital for Sick Children
Classification: Benign for Noonan syndrome and Noonan-related syndrome. Last evaluated: 2020-11-13. Review status: criteria provided, single submitter. Criteria: ACMG Guidelines, 2015. Collection method: clinical testing. Allele origin: germline. Not counted in ClinVar's aggregate classification.

Ambry Genetics
Classification: Benign for Cardiovascular phenotype. Last evaluated: 2018-12-04. Review status: criteria provided, single submitter. Criteria: Ambry Variant Classification Scheme 2023. Collection method: clinical testing. Allele origin: germline. Not counted in ClinVar's aggregate classification.

Illumina Laboratory Services, Illumina
Classification: Benign for LEOPARD syndrome 3. Last evaluated: 2018-01-13. Review status: criteria provided, single submitter. Criteria: ICSL Variant Classification Criteria 13 December 2019. Collection method: clinical testing. Allele origin: germline. Not counted in ClinVar's aggregate classification.
Comment: This variant was observed in the ICSL laboratory as part of a predisposition screen in an ostensibly healthy population. It had not been previously curated by ICSL or reported in the Human Gene Mutation Database (HGMD: prior to June 1st, 2018), and was therefore a candidate for classification through an automated scoring system. Utilizing variant allele frequency, disease prevalence and penetrance estimates, and inheritance mode, an automated score was calculated to assess if this variant is too frequent to cause the disease. Based on the score and internal cut-off values, a variant classified as benign is not then subjected to further curation. The score for this variant resulted in a classification of benign for this disease.

Illumina Laboratory Services, Illumina
Classification: Likely benign for Noonan syndrome 7. Last evaluated: 2018-01-13. Review status: criteria provided, single submitter. Criteria: ICSL Variant Classification Criteria 13 December 2019. Collection method: clinical testing. Allele origin: germline. Not counted in ClinVar's aggregate classification.
Comment: This variant was observed in the ICSL laboratory as part of a predisposition screen in an ostensibly healthy population. It had not been previously curated by ICSL or reported in the Human Gene Mutation Database (HGMD: prior to June 1st, 2018), and was therefore a candidate for classification through an automated scoring system. Utilizing variant allele frequency, disease prevalence and penetrance estimates, and inheritance mode, an automated score was calculated to assess if this variant is too frequent to cause the disease. Based on the score and internal cut-off values, a variant classified as likely benign is not then subjected to further curation. The score for this variant resulted in a classification of likely benign for this disease.

GeneDx
Classification: Benign. Last evaluated: 2015-03-03. Review status: criteria provided, single submitter. Criteria: GeneDx Variant Classification Process June 2021. Collection method: clinical testing. Allele origin: germline. Affected: yes. Not counted in ClinVar's aggregate classification.

Eurofins Ntd Llc (ga)
Classification: Benign. Last evaluated: 2014-03-03. Review status: criteria provided, single submitter. Criteria: EGL Classification Definitions 2015. Collection method: clinical testing. Allele origin: germline. Observed: 2 variant alleles, 2 heterozygotes. Not counted in ClinVar's aggregate classification.

Laboratory for Molecular Medicine, Mass General Brigham Personalized Medicine
Classification: Benign. Last evaluated: 2011-08-03. Review status: criteria provided, single submitter. Criteria: LMM Criteria. Collection method: clinical testing. Allele origin: germline. Observed: 14 variant alleles. Not counted in ClinVar's aggregate classification.
Comment: Gln461Gln in exon 11 of BRAF: This variant is not expected to have clinical sign ificance because it does not alter an amino acid residue and is not located near a splice junction. In addition, this variant has been reported to have a freque ncy of 1.5% in the general population (Greenman 2007, Velangi 2004, Davies 2002, rs56216404).

Breakthrough Genomics
Classification: Benign. Review status: criteria provided, single submitter. Criteria: ACMG Guidelines, 2015. Collection method: not provided. Allele origin: germline. Inheritance: Autosomal dominant inheritance. Affected: yes. Not counted in ClinVar's aggregate classification.

Greenwood Genetic Center Diagnostic Laboratories, Greenwood Genetic Center
Classification: Benign. Last evaluated: 2015-01-15. Review status: no assertion criteria provided. Collection method: clinical testing. Allele origin: germline. Not counted in ClinVar's aggregate classification.

Literature cited by the submitters: PubMed 17344846 (cited by Laboratory for Molecular Medicine, Mass General Brigham Personalized Medicine); PubMed 14749708 (cited by Laboratory for Molecular Medicine, Mass General Brigham Personalized Medicine); PubMed 12068308 (cited by Laboratory for Molecular Medicine, Mass General Brigham Personalized Medicine).